The following is an entry in ClinVar:

ClinVar aggregate classification (germline): Likely benign. Review status: criteria provided, multiple submitters, no conflicts (2 of 4 stars). 3 submissions from 3 submitters: Likely benign (3). Last evaluated 2025-04-17.

Conditions:
Long QT syndrome (LQTS). Identifiers: MedGen C0023976, MeSH D008133, MONDO:0002442. Disease mechanism: loss of function. Inheritance: Various modes of inheritance.
Cardiac arrhythmia. Also called: Cardiac rhythm disease; Arrhythmia. Identifiers: MedGen C0003811, MONDO:0007263, HP:0011675.

Allele frequency attached by ClinVar (database versions not stated): gnomAD exomes below 0.00001; TOPMed below 0.00001; gnomAD 0.00001.
gnomAD v4.1: 3 of 1,613,480 alleles (0.00019%); highest among the groups gnomAD compares: Admixed American, 0.005%; no homozygotes.

Submissions (3):

Labcorp Genetics (formerly Invitae), Labcorp
Classification: Likely benign for Long QT syndrome. Last evaluated: 2025-04-17. Review status: criteria provided, single submitter. Criteria: Invitae Variant Classification Sherloc (09022015). Collection method: clinical testing. Allele origin: germline.

All of Us Research Program, National Institutes of Health
Classification: Likely benign for Long QT syndrome. Last evaluated: 2023-10-06. Review status: criteria provided, single submitter. Criteria: ACMG Guidelines, 2015. Collection method: clinical testing. Allele origin: germline. Inheritance: Autosomal dominant inheritance. Observed: 1 variant allele, 1 heterozygote.
Comment: This study involves interpretation of variants in research participants for the purpose of population health screening. Participant phenotype was not available at the time of variant classification. Additional details can be found in publication PMID: 35346344, PMCID: PMC8962531

Color Diagnostics, LLC DBA Color Health
Classification: Likely benign for Cardiac arrhythmia. Last evaluated: 2022-11-06. Review status: criteria provided, single submitter. Criteria: ACMG Guidelines, 2015. Collection method: clinical testing. Allele origin: germline.

NM_000238.4(KCNH2):c.2598C>T (p.Asn866=)

Gene: KCNH2 (potassium voltage-gated channel subfamily H member 2; minus strand). Cytogenetic location: 7q36.1.
Variant type: single nucleotide variant.
Coding change: c.2598C>T on transcript NM_000238.4 (MANE Select); coding-DNA position 2598, C replaced by T.
Protein change: p.Asn866=; no amino-acid change (asparagine 866 retained).
Molecular consequence: synonymous variant. On other transcripts: non-coding transcript variant (2).
Genome position (GRCh38, 1-based): chr7:150,948,538, G>A on the plus strand (C>T on the coding strand, the complement: KCNH2 is on the minus strand). VCF-style: chr7-150948538-G-A. GRCh37 (hg19) VCF-style: chr7-150645626-G-A.
Other names: c.2310C>T, p.Asn770= (NM_001406753.1); c.1578C>T, p.Asn526= (NM_172057.3).
Identifiers: ClinVar variation 3073671 (VCV003073671.3), dbSNP rs906593827, ClinGen allele CA169073238.
Genomic context (GRCh38, chr7:150,948,538, plus strand): 5'-CTTGCGTTGCCGACTGAAGCCACCCTCTAACTCCGTACTGCCGGGGGAGCCCGGGATCAT[G>A]TTGGTCTGGAACCAAAATCAGTATCAGGGCCCTTTCAGTGCTCTCCTGCCCCACCGGGGT-3'
Protein context (NP_000229.1, residues 856-876): LEITFNLRDT[Asn866=]MIPGSPGSTE